The following is an entry in ClinVar:

ClinVar aggregate classification (germline): Benign/Likely benign. Review status: criteria provided, multiple submitters, no conflicts (2 of 4 stars). 5 submissions from 5 submitters: Benign (1); Likely benign (2). 2 of the submissions do not count toward it. Last evaluated 2026-02-01.

Conditions:
Joubert syndrome. Also called: JOUBERT-BOLTSHAUSER SYNDROME; Familial aplasia of the vermis. Identifiers: Orphanet 475, MedGen C5979921, MONDO:0018772.
Orofaciodigital syndrome I (OFD1). Also called: OFDS I; Papillon-Leage and Psaume Syndrome; Oral-Facial-Digital Syndrome Type I. Identifiers: Orphanet 2750, MedGen C1510460, MONDO:0010702, OMIM 311200.

Allele frequency attached by ClinVar (database versions not stated): 1000 Genomes Project 30x 0.00021; 1000 Genomes Project 0.00026; gnomAD 0.00041 and 0.00044; gnomAD exomes 0.00050 and 0.00065; TOPMed 0.00051; ExAC 0.00060; ESP Exome Variant Server 0.00066.
gnomAD v4.1: 629 of 1,011,601 alleles (0.062%); highest among the groups gnomAD compares: Non-Finnish European, 0.077%; no homozygotes.

Submissions (5):

Labcorp Genetics (formerly Invitae), Labcorp
Classification: Benign for Orofaciodigital syndrome I; Joubert syndrome. Last evaluated: 2026-02-01. Review status: criteria provided, single submitter. Criteria: Invitae Variant Classification Sherloc (09022015). Collection method: clinical testing. Allele origin: germline.

Blueprint Genetics
Classification: Likely benign. Last evaluated: 2024-10-22. Review status: criteria provided, single submitter. Criteria: ACMG Guidelines, 2015. Collection method: clinical testing. Allele origin: germline.

CeGaT Center for Human Genetics Tuebingen
Classification: Likely benign. Last evaluated: 2023-03-01. Review status: criteria provided, single submitter. Criteria: CeGaT Center For Human Genetics Tuebingen Variant Classification Criteria Version 2. Collection method: clinical testing. Allele origin: germline. Affected: yes. Observed: 1 variant allele.
Comment: OFD1: BS2

Clinical Genetics, Academic Medical Center
Classification: Likely benign. Review status: no assertion criteria provided. Collection method: clinical testing. Allele origin: germline. Affected: yes. Study: VKGL Data-share Consensus. Not counted in ClinVar's aggregate classification.

Genome Diagnostics Laboratory, University Medical Center Utrecht
Classification: Likely benign. Review status: no assertion criteria provided. Collection method: clinical testing. Allele origin: germline. Affected: yes. Study: VKGL Data-share Consensus. Not counted in ClinVar's aggregate classification.

NM_003611.3(OFD1):c.1654+9C>T

Gene: OFD1 (OFD1 centriole and centriolar satellite protein; plus strand). Cytogenetic location: Xp22.2.
Variant type: single nucleotide variant.
Coding change: c.1654+9C>T on transcript NM_003611.3 (MANE Select); 9 bases into the intron after coding-DNA position 1654, C replaced by T.
Molecular consequence: intron variant.
Genome position (GRCh38, 1-based): chrX:13,758,457, C>T. VCF-style: chrX-13758457-C-T. GRCh37 (hg19) VCF-style: chrX-13776576-C-T.
Other names: c.1234+9C>T (NM_001330210.2); c.1534+9C>T (NM_001330209.2).
Identifiers: ClinVar variation 463450 (VCV000463450.39), dbSNP rs200007045, ClinGen allele CA10351859.